The following is an entry in ClinVar:

ClinVar aggregate classification (germline): Uncertain significance (1 of 4 stars; one submission).

Conditions:
Inborn genetic diseases. Identifiers: MedGen C0950123, MeSH D030342.

gnomAD v4.1: 4 of 1,614,068 alleles (0.00025%); highest among the groups gnomAD compares: South Asian, 0.0011%; no homozygotes.

Submission:

Ambry Genetics
Classification: Uncertain significance for Inborn genetic diseases. Last evaluated: 2025-04-21. Review status: criteria provided, single submitter. Criteria: Ambry Variant Classification Scheme 2023. Collection method: clinical testing. Allele origin: germline.
Comment: The p.E275D variant (also known as c.825G>C), located in coding exon 7 of the FANCG gene, results from a G to C substitution at nucleotide position 825. The glutamic acid at codon 275 is replaced by aspartic acid, an amino acid with highly similar properties. This amino acid position is conserved. In addition, this alteration is predicted to be tolerated by in silico analysis. Based on the available evidence, the clinical significance of this variant remains unclear.

NM_004629.2(FANCG):c.825G>C (p.Glu275Asp)

Gene: FANCG (FA complementation group G; minus strand). Cytogenetic location: 9p13.3.
Variant type: single nucleotide variant.
Coding change: c.825G>C on transcript NM_004629.2 (MANE Select); coding-DNA position 825, G replaced by C.
Protein change: p.Glu275Asp; replaces glutamic acid 275 with aspartic acid.
Molecular consequence: missense variant.
Genome position (GRCh38, 1-based): chr9:35,076,823, C>G on the plus strand (G>C on the coding strand, the complement: FANCG is on the minus strand). VCF-style: chr9-35076823-C-G. GRCh37 (hg19) VCF-style: chr9-35076820-C-G.
Other names: short protein forms E275D.
Identifiers: ClinVar variation 4022499 (VCV004022499.1).